The following is an entry in ClinVar:

ClinVar aggregate classification (germline): Benign/Likely benign. Review status: criteria provided, multiple submitters, no conflicts (2 of 4 stars). 3 submissions from 3 submitters: Benign (2); Likely benign (1). Last evaluated 2025-07-29.

Submissions (3):

Mayo Clinic Laboratories, Mayo Clinic
Classification: Benign. Last evaluated: 2025-07-29. Review status: criteria provided, single submitter. Criteria: ACMG Guidelines, 2015. Collection method: clinical testing. Allele origin: germline. Observed: 218 variant alleles.
Comment: BA1

Blueprint Genetics
Classification: Likely benign. Last evaluated: 2024-11-27. Review status: criteria provided, single submitter. Criteria: ACMG Guidelines, 2015. Collection method: clinical testing. Allele origin: germline.

GeneDx
Classification: Benign. Last evaluated: 2021-05-27. Review status: criteria provided, single submitter. Criteria: GeneDx Variant Classification Process June 2021. Collection method: clinical testing. Allele origin: germline. Affected: yes.

NM_000799.4(EPO):c.246+24del

Gene: EPO (erythropoietin; plus strand). Cytogenetic location: 7q22.1.
Variant type: Deletion.
Coding change: c.246+24del on transcript NM_000799.4 (MANE Select); 24 bases into the intron after coding-DNA position 246, one base deleted (T; older notation c.246+24delT).
Molecular consequence: intron variant.
Genome position (GRCh38, 1-based): chr7:100,722,072, T deleted; the last of 15 consecutive T bases (chr7:100,722,058-100,722,072); deleting any one gives the same sequence. VCF-style (leftmost placement, unchanged base first): chr7-100722057-CT-C. GRCh37 (hg19) VCF-style: chr7-100319680-CT-C.
Other names: p.?.
Identifiers: ClinVar variation 1271500 (VCV001271500.3), dbSNP rs111249118, ClinGen allele CA4389483.